The following is an entry in ClinVar:

ClinVar aggregate classification (germline): Uncertain significance. Review status: criteria provided, multiple submitters, no conflicts (2 of 4 stars). 2 submissions from 2 submitters: Uncertain significance (2). Last evaluated 2025-08-17.

Conditions:
Cardiovascular phenotype. Identifiers: MedGen CN230736.
Hereditary cancer-predisposing syndrome. Also called: Neoplastic Syndromes, Hereditary; Hereditary neoplastic syndrome; Tumor predisposition; Hereditary Cancer Syndrome. Identifiers: Orphanet 140162, MedGen C0027672, MeSH D009386, MONDO:0015356.

Allele frequency attached by ClinVar (database versions not stated): gnomAD exomes below 0.00001.
gnomAD v4.1: 3 of 1,607,324 alleles (0.00019%); highest among the groups gnomAD compares: South Asian, 0.0022%; no homozygotes.

Submissions (2):

Labcorp Genetics (formerly Invitae), Labcorp
Classification: Uncertain significance. Last evaluated: 2025-08-17. Review status: criteria provided, single submitter. Criteria: Invitae Variant Classification Sherloc (09022015). Collection method: clinical testing. Allele origin: germline.
Comment: This sequence change replaces isoleucine, which is neutral and non-polar, with threonine, which is neutral and polar, at codon 167 of the LZTR1 protein (p.Ile167Thr). This variant is not present in population databases (gnomAD no frequency). This variant has not been reported in the literature in individuals affected with LZTR1-related conditions. ClinVar contains an entry for this variant (Variation ID: 2898972). Invitae Evidence Modeling of protein sequence and biophysical properties (such as structural, functional, and spatial information, amino acid conservation, physicochemical variation, residue mobility, and thermodynamic stability) indicates that this missense variant is not expected to disrupt LZTR1 protein function with a negative predictive value of 80%. In summary, the available evidence is currently insufficient to determine the role of this variant in disease. Therefore, it has been classified as a Variant of Uncertain Significance.

Ambry Genetics
Classification: Uncertain significance for Cardiovascular phenotype; Hereditary cancer-predisposing syndrome. Last evaluated: 2024-09-21. Review status: criteria provided, single submitter. Criteria: Ambry Variant Classification Scheme 2023. Collection method: clinical testing. Allele origin: germline.
Comment: The p.I167T variant (also known as c.500T>C), located in coding exon 5 of the LZTR1 gene, results from a T to C substitution at nucleotide position 500. The isoleucine at codon 167 is replaced by threonine, an amino acid with similar properties. This amino acid position is conserved. In addition, this alteration is predicted to be tolerated by in silico analysis. Based on the available evidence, the clinical significance of this variant remains unclear.

NM_006767.4(LZTR1):c.500T>C (p.Ile167Thr)

Gene: LZTR1 (leucine zipper like post translational regulator 1; plus strand). Cytogenetic location: 22q11.21.
Variant type: single nucleotide variant.
Coding change: c.500T>C on transcript NM_006767.4 (MANE Select); coding-DNA position 500, T replaced by C.
Protein change: p.Ile167Thr; replaces isoleucine 167 with threonine.
Molecular consequence: missense variant.
Genome position (GRCh38, 1-based): chr22:20,988,109, T>C. VCF-style: chr22-20988109-T-C. GRCh37 (hg19) VCF-style: chr22-21342398-T-C.
Other names: c.500T>C (NM_006767.3); short protein forms I167T.
Identifiers: ClinVar variation 2898972 (VCV002898972.4), dbSNP rs887657116, ClinGen allele CA410779935.
Genomic context (GRCh38, chr22:20,988,109, plus strand): 5'-AGAATAAAAACGACCTCTTTGAATACAAGTTTGCAACTGGCCAGTGGACGGAGTGGAAAA[T>C]TGAAGGACGGTGAGAAACTTTGCAGAAACATTTGGGACAGGCTGGGTCCTGGGTGGCATT-3'
Protein context (NP_006758.2, residues 157-177): FATGQWTEWK[Ile167Thr]EGRLPVARSA